The following is an entry in ClinVar:

NM_001267550.2(TTN):c.99643C>T (p.Arg33215Trp)

Genes: TTN (titin; minus strand), TTN-AS1 (TTN antisense RNA 1; plus strand), LOC126806420 (BRD4-independent group 4 enhancer GRCh37_chr2:179401104-179402303; plus strand). Cytogenetic location: 2q31.2.
Variant type: single nucleotide variant.
Coding change: c.99643C>T on transcript NM_001267550.2 (MANE Select); coding-DNA position 99643, C replaced by T.
Protein change: p.Arg33215Trp; replaces arginine 33215 with tryptophan.
Molecular consequence: missense variant. On other transcripts: non-coding transcript variant (1).
Genome position (GRCh38, 1-based): chr2:178,537,564, G>A on the plus strand (C>T on the coding strand, the complement: TTN is on the minus strand). VCF-style: chr2-178537564-G-A. GRCh37 (hg19) VCF-style: chr2-179402291-G-A.
Other names: c.94720C>T, p.Arg31574Trp (NM_001256850.1); c.72448C>T, p.Arg24150Trp (NM_003319.4); c.91939C>T, p.Arg30647Trp (NM_133378.4); c.72823C>T, p.Arg24275Trp (NM_133432.3); c.73024C>T, p.Arg24342Trp (NM_133437.4); short protein forms R24275W, R30647W, R33215W, R24150W, R24342W, R31574W.
Identifiers: ClinVar variation 1757880 (VCV001757880.7), dbSNP rs377598016, ClinGen allele CA1986161.

ClinVar aggregate classification (germline): Conflicting classifications of pathogenicity. Review status: criteria provided, conflicting classifications (1 of 4 stars). 3 submissions from 3 submitters: Uncertain significance (2); Likely benign (1). Last evaluated 2024-06-26.

Conditions:
Cardiovascular phenotype. Identifiers: MedGen CN230736.
TTN-related myopathy. Identifiers: MedGen CN294812, MONDO:0100175.

gnomAD v4.1: 93 of 1,613,796 alleles (0.0058%); highest among the groups gnomAD compares: South Asian, 0.016%; no homozygotes.

Submissions (3):

Revvity Omics, Revvity
Classification: Uncertain significance. Last evaluated: 2024-06-26. Review status: criteria provided, single submitter. Criteria: ACMG Guidelines, 2015. Collection method: clinical testing. Allele origin: germline.

Muscle and Diseases Team, Institut de Génétique et Biologie Moléculaire et Cellulaire
Classification: Uncertain significance for TTN-related myopathy. Last evaluated: 2024-03-01. Review status: criteria provided, single submitter. Criteria: ACMG Guidelines, 2015. Collection method: research. Allele origin: unknown. Affected: yes. Observed: 1 variant allele.
Comment: PM2+PP2+BP6

Ambry Genetics
Classification: Likely benign for Cardiovascular phenotype. Last evaluated: 2020-06-29. Review status: criteria provided, single submitter. Criteria: Ambry Variant Classification Scheme 2023. Collection method: clinical testing. Allele origin: germline.

Literature cited by the submitters: DOI 10.1186/s13073-024-01353-0 (cited by Muscle and Diseases Team, Institut de Génétique et Biologie Moléculaire et Cellulaire).